The following is an entry in ClinVar:

ClinVar aggregate classification (germline): Uncertain significance (1 of 4 stars; one submission).

gnomAD v4.1: 1 of 1,593,678 alleles (0.000063%); highest among the groups gnomAD compares: Non-Finnish European, 0.000085%; no homozygotes.

Submission:

Labcorp Genetics (formerly Invitae), Labcorp
Classification: Uncertain significance. Last evaluated: 2023-07-26. Review status: criteria provided, single submitter. Criteria: Invitae Variant Classification Sherloc (09022015). Collection method: clinical testing. Allele origin: germline.
Comment: This sequence change replaces glutamic acid, which is acidic and polar, with aspartic acid, which is acidic and polar, at codon 1097 of the REST protein (p.Glu1097Asp). In summary, the available evidence is currently insufficient to determine the role of this variant in disease. Therefore, it has been classified as a Variant of Uncertain Significance. An algorithm developed to predict the effect of missense changes on protein structure and function (PolyPhen-2) suggests that this variant is likely to be disruptive. This variant has not been reported in the literature in individuals affected with REST-related conditions. This variant is not present in population databases (gnomAD no frequency).

NM_005612.5(REST):c.3291G>C (p.Glu1097Asp)

Gene: REST (RE1 silencing transcription factor; plus strand). Cytogenetic location: 4q12.
Variant type: single nucleotide variant.
Coding change: c.3291G>C on transcript NM_005612.5 (MANE Select); coding-DNA position 3291, G replaced by C.
Protein change: p.Glu1097Asp; replaces glutamic acid 1097 with aspartic acid.
Molecular consequence: missense variant.
Genome position (GRCh38, 1-based): chr4:56,932,149, G>C. VCF-style: chr4-56932149-G-C. GRCh37 (hg19) VCF-style: chr4-57798315-G-C.
Other names: c.3291G>C, p.Glu1097Asp (NM_001193508.2, NM_001363453.3); short protein forms E1097D.
Identifiers: ClinVar variation 2747312 (VCV002747312.3), dbSNP rs2475855984, ClinGen allele CA357010644.
Genomic context (GRCh38, chr4:56,932,149, plus strand): 5'-ACACCTCAATCGCCATTTGGTTAATGTGTACTATCTTGAAGAAGCAGCTCAAGGGCAGGA[G>C]TAATGAAACTTTGAACAAGGTTTCAGTTCTTAGTTTGTAAGGTATATTACATTTTATATT-3'
Protein context (NP_005603.3, residues 1087-1097): YYLEEAAQGQ[Glu1097Asp]